The following is an entry in ClinVar:

NM_000124.4(ERCC6):c.3574G>T (p.Glu1192Ter)

Gene: ERCC6 (ERCC excision repair 6, chromatin remodeling factor; minus strand). Cytogenetic location: 10q11.23.
Variant type: single nucleotide variant.
Coding change: c.3574G>T on transcript NM_000124.4 (MANE Select); coding-DNA position 3574, G replaced by T.
Protein change: p.Glu1192Ter; replaces glutamic acid 1192 with a stop codon.
Molecular consequence: nonsense.
Genome position (GRCh38, 1-based): chr10:49,470,386, C>A on the plus strand (G>T on the coding strand, the complement: ERCC6 is on the minus strand). VCF-style: chr10-49470386-C-A. GRCh37 (hg19) VCF-style: chr10-50678432-C-A.
Other names: c.3574G>T, p.Glu1192Ter (NM_001346440.2); short protein forms E1192*.
Identifiers: ClinVar variation 983686 (VCV000983686.3), dbSNP rs1850753467, ClinGen allele CA376713684.

ClinVar aggregate classification (germline): Likely pathogenic (1 of 4 stars; one submission).

Conditions:
Cockayne syndrome type 2 (CSB). Also called: Cockayne Syndrome, Type II; COCKAYNE SYNDROME B. Identifiers: Orphanet 191, Orphanet 90322, MedGen C0751038, MONDO:0019570, OMIM 133540.

Submission:

Myriad Genetics, Inc.
Classification: Likely pathogenic for Cockayne syndrome type 2. Last evaluated: 2019-04-27. Review status: criteria provided, single submitter. Criteria: Myriad Women's Health Autosomal Recessive and X-Linked Classification Criteria (2019). Collection method: clinical testing. Allele origin: unknown.
Comment: NM_000124.2(ERCC6):c.3574G>T(E1192*) is expected to be pathogenic in the context of ERCC6-related disorders. This variant is predicted to lead to an abnormal or absent protein product due to the creation of a premature termination codon in ERCC6, a gene where loss-of-function variants are known to be pathogenic. Please note: this variant was assessed in the context of healthy population screening.